The following is an entry in ClinVar:

NM_000530.8(MPZ):c.345del (p.His115fs)

Gene: MPZ (myelin protein zero; minus strand). Cytogenetic location: 1q23.3.
Variant type: Deletion.
Coding change: c.345del on transcript NM_000530.8 (MANE Select); coding-DNA position 345, one base deleted (C; older notation c.345delC).
Protein change: p.His115fs; shifts the reading frame from histidine 115.
Molecular consequence: frameshift variant.
Genome position (GRCh38, 1-based): chr1:161,306,811, G deleted on the plus strand (C on the coding strand, the reverse complement: MPZ is on the minus strand). VCF-style (leftmost placement, unchanged base first): chr1-161306810-TG-T. GRCh37 (hg19) VCF-style: chr1-161276600-TG-T.
Other names: c.345del, p.His115fs (NM_001315491.2); short protein forms H115fs.
Identifiers: ClinVar variation 1070661 (VCV001070661.7), dbSNP rs2102258958, ClinGen allele CA2499214270.

ClinVar aggregate classification (germline): Pathogenic (1 of 4 stars; one submission).

Conditions:
Charcot-Marie-Tooth disease, type I (CMT1). Also called: Charcot-Marie-Tooth disease type 1; Charcot-Marie-Tooth, Type 1. Identifiers: Orphanet 65753, MedGen C0751036, MONDO:0019011.

Submission:

Labcorp Genetics (formerly Invitae), Labcorp
Classification: Pathogenic for Charcot-Marie-Tooth disease, type I. Last evaluated: 2020-01-25. Review status: criteria provided, single submitter. Criteria: Invitae Variant Classification Sherloc (09022015). Collection method: clinical testing. Allele origin: germline.
Comment: For these reasons, this variant has been classified as Pathogenic. Loss-of-function variants in MPZ are known to be pathogenic (PMID: 14711881). This variant has not been reported in the literature in individuals with MPZ-related conditions. This variant is not present in population databases (ExAC no frequency). This sequence change creates a premature translational stop signal (p.His115Glnfs*3) in the MPZ gene. It is expected to result in an absent or disrupted protein product.

Literature cited by the submitters: PubMed 14711881.